The following is an entry in ClinVar:

ClinVar aggregate classification (germline): Uncertain significance (1 of 4 stars; one submission).

Allele frequency attached by ClinVar (database versions not stated): gnomAD 0.00001; TOPMed 0.00001; gnomAD exomes 0.00002.

Submission:

Labcorp Genetics (formerly Invitae), Labcorp
Classification: Uncertain significance. Last evaluated: 2022-09-07. Review status: criteria provided, single submitter. Criteria: Invitae Variant Classification Sherloc (09022015). Collection method: clinical testing. Allele origin: germline.
Comment: In summary, the available evidence is currently insufficient to determine the role of this variant in disease. Therefore, it has been classified as a Variant of Uncertain Significance. Advanced modeling of protein sequence and biophysical properties (such as structural, functional, and spatial information, amino acid conservation, physicochemical variation, residue mobility, and thermodynamic stability) performed at Invitae indicates that this missense variant is not expected to disrupt PNPT1 protein function. This variant has not been reported in the literature in individuals affected with PNPT1-related conditions. This variant is present in population databases (no rsID available, gnomAD 0.01%). This sequence change replaces alanine, which is neutral and non-polar, with valine, which is neutral and non-polar, at codon 42 of the PNPT1 protein (p.Ala42Val).

NM_033109.5(PNPT1):c.125C>T (p.Ala42Val)

Genes: PNPT1 (polyribonucleotide nucleotidyltransferase 1; minus strand), LOC129933770 (ATAC-STARR-seq lymphoblastoid active region 15785; plus strand). Cytogenetic location: 2p16.1.
Variant type: single nucleotide variant.
Coding change: c.125C>T on transcript NM_033109.5 (MANE Select); coding-DNA position 125, C replaced by T.
Protein change: p.Ala42Val; replaces alanine 42 with valine.
Molecular consequence: missense variant.
Genome position (GRCh38, 1-based): chr2:55,693,699, G>A on the plus strand (C>T on the coding strand, the complement: PNPT1 is on the minus strand). VCF-style: chr2-55693699-G-A. GRCh37 (hg19) VCF-style: chr2-55920834-G-A.
Other names: short protein forms A42V.
Identifiers: ClinVar variation 2083127 (VCV002083127.2), dbSNP rs1164894701, ClinGen allele CA346945916.
Genomic context (GRCh38, chr2:55,693,699, plus strand): 5'-CAGTGAACGCACGTCACTCCTTACCTGTTGCCTAAGTCCACGGCCACAGCTCGAGACCCT[G>A]CGCTACTCCATAGTGCTCGCACTTGCAACTGGGTGAGTGCCCGATCCCGCCGTGGCAGAA-3'
Protein context (NP_149100.2, residues 32-52): QLQVRALWSS[Ala42Val]GSRAVAVDLG